The following is an entry in ClinVar:

ClinVar aggregate classification (germline): Uncertain significance (1 of 4 stars; one submission).

Conditions:
Progressive familial heart block type IB (PFHB1B). Identifiers: Orphanet 871, MedGen C1970298, MONDO:0011474, OMIM 604559.

gnomAD v4.1: 1 of 1,604,312 alleles (0.000062%); highest among the groups gnomAD compares: Admixed American, 0.0017%; no homozygotes.

Submission:

Labcorp Genetics (formerly Invitae), Labcorp
Classification: Uncertain significance for Progressive familial heart block type IB. Last evaluated: 2022-05-15. Review status: criteria provided, single submitter. Criteria: Invitae Variant Classification Sherloc (09022015). Collection method: clinical testing. Allele origin: germline.
Comment: In summary, the available evidence is currently insufficient to determine the role of this variant in disease. Therefore, it has been classified as a Variant of Uncertain Significance. Algorithms developed to predict the effect of sequence changes on RNA splicing suggest that this variant may create or strengthen a splice site. Algorithms developed to predict the effect of missense changes on protein structure and function (SIFT, PolyPhen-2, Align-GVGD) all suggest that this variant is likely to be tolerated. This variant has not been reported in the literature in individuals affected with TRPM4-related conditions. This variant is present in population databases (no rsID available, gnomAD 0.003%). This sequence change replaces glycine, which is neutral and non-polar, with arginine, which is basic and polar, at codon 1187 of the TRPM4 protein (p.Gly1187Arg).

NM_017636.4(TRPM4):c.3559G>C (p.Gly1187Arg)

Gene: TRPM4 (transient receptor potential cation channel subfamily M member 4; plus strand). Cytogenetic location: 19q13.33.
Variant type: single nucleotide variant.
Coding change: c.3559G>C on transcript NM_017636.4 (MANE Select); coding-DNA position 3559, G replaced by C.
Protein change: p.Gly1187Arg; replaces glycine 1187 with arginine.
Molecular consequence: missense variant.
Genome position (GRCh38, 1-based): chr19:49,211,188, G>C. VCF-style: chr19-49211188-G-C. GRCh37 (hg19) VCF-style: chr19-49714445-G-C.
Other names: c.3124G>C, p.Gly1042Arg (NM_001195227.2); c.3214G>C, p.Gly1072Arg (NM_001321281.2); c.1951G>C, p.Gly651Arg (NM_001321282.2); c.3037G>C, p.Gly1013Arg (NM_001321283.2); c.2497G>C, p.Gly833Arg (NM_001321285.2); short protein forms G1042R, G1072R, G651R, G1187R, G1013R, G833R.
Identifiers: ClinVar variation 2187079 (VCV002187079.4), dbSNP rs1419437484, ClinGen allele CA406773632.